The following is an entry in ClinVar:

ClinVar aggregate classification (germline): Uncertain significance (1 of 4 stars; one submission).

Conditions:
Hereditary breast ovarian cancer syndrome. Also called: Hereditary breast and ovarian cancer syndrome (HBOC); Hereditary breast and ovarian cancer; Breast and ovarian cancer; Hereditary breast and/or ovarian cancer syndrome; BRCA1- and BRCA2-Associated Hereditary Breast and Ovarian Cancer; Hereditary breast and ovarian cancer syndrome. Identifiers: Orphanet 145, MedGen C0677776, MeSH D061325, MONDO:0003582. Disease mechanism: loss of function.

Submission:

Labcorp Genetics (formerly Invitae), Labcorp
Classification: Uncertain significance for Hereditary breast ovarian cancer syndrome. Last evaluated: 2025-08-29. Review status: criteria provided, single submitter. Criteria: Invitae Variant Classification Sherloc (09022015). Collection method: clinical testing. Allele origin: germline.
Comment: This sequence change replaces glycine, which is neutral and non-polar, with alanine, which is neutral and non-polar, at codon 2569 of the BRCA2 protein (p.Gly2569Ala). This variant is not present in population databases (gnomAD no frequency). This variant has not been reported in the literature in individuals affected with BRCA2-related conditions. Invitae Evidence Modeling of protein sequence and biophysical properties (such as structural, functional, and spatial information, amino acid conservation, physicochemical variation, residue mobility, and thermodynamic stability) indicates that this missense variant is not expected to disrupt BRCA2 protein function with a negative predictive value of 95%. In summary, the available evidence is currently insufficient to determine the role of this variant in disease. Therefore, it has been classified as a Variant of Uncertain Significance.

NM_000059.4(BRCA2):c.7706G>C (p.Gly2569Ala)

Gene: BRCA2 (BRCA2 DNA repair associated; plus strand). Cytogenetic location: 13q13.1.
Variant type: single nucleotide variant.
Coding change: c.7706G>C on transcript NM_000059.4 (MANE Select); coding-DNA position 7706, G replaced by C.
Protein change: p.Gly2569Ala; replaces glycine 2569 with alanine.
Molecular consequence: missense variant. On other transcripts: non-coding transcript variant (1).
Genome position (GRCh38, 1-based): chr13:32,357,830, G>C. VCF-style: chr13-32357830-G-C. GRCh37 (hg19) VCF-style: chr13-32931967-G-C.
Other names: c.7610G>C, p.Gly2537Ala (NM_001406719.1); c.7706G>C, p.Gly2569Ala (NM_001406720.1, NM_001432077.1); c.2774G>C, p.Gly925Ala (NM_001406721.1); c.1289G>C, p.Gly430Ala (NM_001406722.1); short protein forms G2537A, G2569A, G430A, G925A.
Identifiers: ClinVar variation 4802345 (VCV004802345.1).